The following is an entry in ClinVar:

NM_015627.3(LDLRAP1):c.113del (p.Thr38fs)

Gene: LDLRAP1 (low density lipoprotein receptor adaptor protein 1; plus strand). Cytogenetic location: 1p36.11.
Variant type: Deletion.
Coding change: c.113del on transcript NM_015627.3 (MANE Select); coding-DNA position 113, one base deleted (C; older notation c.113delC).
Protein change: p.Thr38fs; shifts the reading frame from threonine 38.
Molecular consequence: frameshift variant.
Genome position (GRCh38, 1-based): chr1:25,553,946, C deleted. VCF-style (leftmost placement, unchanged base first): chr1-25553945-AC-A. GRCh37 (hg19) VCF-style: chr1-25880436-AC-A.
Other names: c.113delC (NM_015627.2); short protein forms T38fs.
Identifiers: ClinVar variation 1366160 (VCV001366160.7), dbSNP rs2044138456, ClinGen allele CA1159697469.
Genomic context (GRCh38, chr1:25,553,945, plus strand): 5'-GCCGCAGGGTCTGAGGGCCTACCCTGTGCTACCCCAGAGCTGCCTGAGAACTGGACAGAC[AC>A]GCGGGAGACGCTGCTGGAGGGGATGCTGTTCAGCCTCAAGTACCTGGGCATGACGCTAGT-3'

ClinVar aggregate classification (germline): Pathogenic/Likely pathogenic. Review status: criteria provided, multiple submitters, no conflicts (2 of 4 stars). 2 submissions from 2 submitters: Pathogenic (1); Likely pathogenic (1). Last evaluated 2025-11-05.

Conditions:
Familial hypercholesterolemia. Also called: Familial hypercholesterolaemia; Familial hypercholesterolemias. Identifiers: MedGen C0020445, MONDO:0005439.
Hypercholesterolemia, familial, 4 (FHCL4). Also called: HYPERCHOLESTEROLEMIA, AUTOSOMAL RECESSIVE, 1; HYPERCHOLESTEROLEMIA, AUTOSOMAL RECESSIVE, 2. Identifiers: Orphanet 391665, MedGen C1863512, MONDO:0011374, OMIM 603813.

Allele frequency attached by ClinVar (database versions not stated): TOPMed below 0.00001.

Submissions (2):

Natera, Inc.
Classification: Likely pathogenic for Familial hypercholesterolemia. Last evaluated: 2025-11-05. Review status: criteria provided, single submitter. Criteria: Natera Variant Classification Schema (03/2026). Collection method: clinical testing. Allele origin: germline.
Comment: The c.113delC variant in LDLRAP1 is a frameshift variant predicted to shift the reading frame beginning at codon 38 and leads to a stop codon 18 codons downstream. This variant is expected to result in nonsense mediated decay, truncation, or a dysfunctional protein product. This variant is rare in the general population with a frequency below the threshold expected for the associated phenotype(s). Given the available evidence, this variant is classified as Likely Pathogenic.

Labcorp Genetics (formerly Invitae), Labcorp
Classification: Pathogenic for Hypercholesterolemia, familial, 4. Last evaluated: 2020-12-02. Review status: criteria provided, single submitter. Criteria: Invitae Variant Classification Sherloc (09022015). Collection method: clinical testing. Allele origin: germline.
Comment: For these reasons, this variant has been classified as Pathogenic. This variant has not been reported in the literature in individuals with LDLRAP1-related conditions. This variant is not present in population databases (ExAC no frequency). This sequence change creates a premature translational stop signal (p.Thr38Serfs*18) in the LDLRAP1 gene. It is expected to result in an absent or disrupted protein product. Loss-of-function variants in LDLRAP1 are known to be pathogenic (PMID: 11326085, 12464675).

Literature cited by the submitters: PubMed 11326085 (cited by Labcorp Genetics (formerly Invitae), Labcorp); PubMed 12464675 (cited by Labcorp Genetics (formerly Invitae), Labcorp).